The following is an entry in ClinVar:

NM_004006.3(DMD):c.838G>T (p.Val280Phe)

Gene: DMD (dystrophin; minus strand). Cytogenetic location: Xp21.1.
Variant type: single nucleotide variant.
Coding change: c.838G>T on transcript NM_004006.3 (MANE Select); coding-DNA position 838, G replaced by T.
Protein change: p.Val280Phe; replaces valine 280 with phenylalanine.
Molecular consequence: missense variant.
Genome position (GRCh38, 1-based): chrX:32,697,992, C>A on the plus strand (G>T on the coding strand, the complement: DMD is on the minus strand). VCF-style: chrX-32697992-C-A. GRCh37 (hg19) VCF-style: chrX-32716109-C-A.
Other names: c.814G>T, p.Val272Phe (NM_000109.4); c.826G>T, p.Val276Phe (NM_004009.3); c.469G>T, p.Val157Phe (NM_004010.3); short protein forms V157F, V272F, V276F, V280F.
Identifiers: ClinVar variation 4800993 (VCV004800993.1).

ClinVar aggregate classification (germline): Uncertain significance (1 of 4 stars; one submission).

Conditions:
Duchenne muscular dystrophy (DMD). Also called: Duchenne Muscular Dystrophy (DMD); MUSCULAR DYSTROPHY, PSEUDOHYPERTROPHIC PROGRESSIVE, DUCHENNE TYPE. Identifiers: Orphanet 98896, MedGen C0013264, MONDO:0010679, OMIM 310200.

Submission:

Labcorp Genetics (formerly Invitae), Labcorp
Classification: Uncertain significance for Duchenne muscular dystrophy. Last evaluated: 2025-12-02. Review status: criteria provided, single submitter. Criteria: Invitae Variant Classification Sherloc (09022015). Collection method: clinical testing. Allele origin: germline.
Comment: This sequence change replaces valine, which is neutral and non-polar, with phenylalanine, which is neutral and non-polar, at codon 280 of the DMD protein (p.Val280Phe). This variant is not present in population databases (gnomAD no frequency). This variant has not been reported in the literature in individuals affected with DMD-related conditions. Invitae Evidence Modeling of protein sequence and biophysical properties (such as structural, functional, and spatial information, amino acid conservation, physicochemical variation, residue mobility, and thermodynamic stability) indicates that this missense variant is not expected to disrupt DMD protein function with a negative predictive value of 95%. In summary, the available evidence is currently insufficient to determine the role of this variant in disease. Therefore, it has been classified as a Variant of Uncertain Significance.